The following is an entry in ClinVar:

ClinVar aggregate classification (germline): Conflicting classifications of pathogenicity. Review status: criteria provided, conflicting classifications (1 of 4 stars). 3 submissions from 3 submitters: Uncertain significance (1); Likely benign (1). 1 of the submissions does not count toward it. Last evaluated 2025-06-19.

Conditions:
Inborn genetic diseases. Identifiers: MedGen C0950123, MeSH D030342.
Usher syndrome type 2A. Also called: RETINAL DISEASE IN USHER SYNDROME TYPE IIA, MODIFIER OF; USHER SYNDROME, TYPE IIA. Identifiers: Orphanet 231178, Orphanet 886, MedGen C1848634, MONDO:0010169, OMIM 276901.

Allele frequency attached by ClinVar (database versions not stated): gnomAD exomes below 0.00001; TOPMed below 0.00001.
gnomAD v4.1: 2 of 1,613,348 alleles (0.00012%); highest among the groups gnomAD compares: Non-Finnish European, 0.00017%; no homozygotes.

Submissions (3):

Ambry Genetics
Classification: Likely benign for Inborn genetic diseases. Last evaluated: 2025-06-19. Review status: criteria provided, single submitter. Criteria: Ambry Variant Classification Scheme 2023. Collection method: clinical testing. Allele origin: germline.

Labcorp Genetics (formerly Invitae), Labcorp
Classification: Uncertain significance. Last evaluated: 2022-07-11. Review status: criteria provided, single submitter. Criteria: Invitae Variant Classification Sherloc (09022015). Collection method: clinical testing. Allele origin: germline.
Comment: This sequence change replaces glycine, which is neutral and non-polar, with serine, which is neutral and polar, at codon 420 of the USH2A protein (p.Gly420Ser). This variant is not present in population databases (gnomAD no frequency). This variant has not been reported in the literature in individuals affected with USH2A-related conditions. ClinVar contains an entry for this variant (Variation ID: 959836). Algorithms developed to predict the effect of missense changes on protein structure and function output the following: SIFT: "Tolerated"; PolyPhen-2: "Benign"; Align-GVGD: "Class C0". The serine amino acid residue is found in multiple mammalian species, which suggests that this missense change does not adversely affect protein function. In summary, the available evidence is currently insufficient to determine the role of this variant in disease. Therefore, it has been classified as a Variant of Uncertain Significance.

Natera, Inc.
Classification: Uncertain significance for Usher syndrome type 2A. Last evaluated: 2021-04-07. Review status: no assertion criteria provided. Collection method: clinical testing. Allele origin: germline. Not counted in ClinVar's aggregate classification.

NM_206933.4(USH2A):c.1258G>A (p.Gly420Ser)

Gene: USH2A (usherin; minus strand). Cytogenetic location: 1q41.
Variant type: single nucleotide variant.
Coding change: c.1258G>A on transcript NM_206933.4 (MANE Select); coding-DNA position 1258, G replaced by A.
Protein change: p.Gly420Ser; replaces glycine 420 with serine.
Molecular consequence: missense variant.
Genome position (GRCh38, 1-based): chr1:216,324,238, C>T on the plus strand (G>A on the coding strand, the complement: USH2A is on the minus strand). VCF-style: chr1-216324238-C-T. GRCh37 (hg19) VCF-style: chr1-216497580-C-T.
Other names: c.1258G>A, p.Gly420Ser (NM_007123.6); short protein forms G420S.
Identifiers: ClinVar variation 959836 (VCV000959836.12), dbSNP rs2037680211, ClinGen allele CA344911618.